The following is an entry in ClinVar:

ClinVar aggregate classification (germline): Uncertain significance. Review status: criteria provided, multiple submitters, no conflicts (2 of 4 stars). 3 submissions from 3 submitters: Uncertain significance (3). Last evaluated 2025-10-30.

Conditions:
Normophosphatemic familial tumoral calcinosis. Also called: CALCINOSIS, TUMORAL, WITH NORMOPHOSPHATEMIA. Identifiers: Orphanet 306658, Orphanet 53715, MedGen C1864861, MONDO:0012502, OMIM 610455.
SAMD9-related disorder. Also called: SAMD9-related condition.

Submissions (3):

Myriad Genetics, Inc.
Classification: Uncertain significance for Normophosphatemic familial tumoral calcinosis. Last evaluated: 2025-10-30. Review status: criteria provided, single submitter. Criteria: Myriad Autosomal Dominant, Autosomal Recessive and X-Linked Classification Criteria (2023). Collection method: clinical testing. Allele origin: unknown.
Comment: NM_017654.3(SAMD9):c.1161dupA(E388Rfs*9) is a frameshift variant classified as a variant of uncertain significance in the context of normophosphatemic familial tumoral calcinosis. E388Rfs*9 has not been observed in cases with relevant disease. Relevant functional assessments of this variant are not available in the literature. E388Rfs*9 has been observed in referenced population frequency databases. In summary, there is insufficient evidence to classify NM_017654.3(SAMD9):c.1161dupA(E388Rfs*9) as pathogenic or benign. Please note: this variant was assessed in the context of healthy population screening.

PreventionGenetics, part of Exact Sciences
Classification: Uncertain significance for SAMD9-related condition. Last evaluated: 2025-04-17. Review status: criteria provided, single submitter. Criteria: ACMG Guidelines, 2015. Collection method: clinical testing. Allele origin: germline.
Comment: The SAMD9 c.1161dupA variant is predicted to result in a frameshift and premature protein termination (p.Glu388Argfs*9). To our knowledge, this variant has not been reported in the literature. This variant is reported in 0.022% of alleles in individuals of East Asian descent in gnomAD. Loss of function is not an established mechanism of SAMD9-related disease. Although we suspect that this variant may be pathogenic, at this time, the clinical significance of this variant is uncertain due to the absence of conclusive functional and genetic evidence.

Labcorp Genetics (formerly Invitae), Labcorp
Classification: Uncertain significance. Last evaluated: 2022-04-21. Review status: criteria provided, single submitter. Criteria: Invitae Variant Classification Sherloc (09022015). Collection method: clinical testing. Allele origin: germline.
Comment: This sequence change creates a premature translational stop signal (p.Glu388Argfs*9) in the SAMD9 gene. While this is not anticipated to result in nonsense mediated decay, it is expected to disrupt the last 1202 amino acid(s) of the SAMD9 protein. This variant is present in population databases (rs758937883, gnomAD 0.02%). This variant has not been reported in the literature in individuals affected with SAMD9-related conditions. Experimental studies and prediction algorithms are not available or were not evaluated, and the functional significance of this variant is currently unknown. In summary, the available evidence is currently insufficient to determine the role of this variant in disease. Therefore, it has been classified as a Variant of Uncertain Significance.

NM_017654.4(SAMD9):c.1161dup (p.Glu388fs)

Gene: SAMD9 (sterile alpha motif domain containing 9; minus strand). Cytogenetic location: 7q21.2.
Variant type: Duplication.
Coding change: c.1161dup on transcript NM_017654.4 (MANE Select); coding-DNA position 1161, one base duplicated (A; older notation c.1161dupA).
Protein change: p.Glu388fs; shifts the reading frame from glutamic acid 388.
Molecular consequence: frameshift variant.
Genome position (GRCh38, 1-based): chr7:93,104,937, T duplicated on the plus strand (A on the coding strand, the reverse complement: SAMD9 is on the minus strand); the first of 6 consecutive T bases (chr7:93,104,937-93,104,942); duplicating any one gives the same sequence. VCF-style (leftmost placement, unchanged base first): chr7-93104936-C-CT. GRCh37 (hg19) VCF-style: chr7-92734249-C-CT.
Other names: c.1161dup, p.Glu388fs (NM_001193307.2); c.1161dupA (NM_017654.3); short protein forms E388fs.
Identifiers: ClinVar variation 1919647 (VCV001919647.3), dbSNP rs758937883, ClinGen allele CA4343011.
Genomic context (GRCh38, chr7:93,104,936, plus strand): 5'-AATTATCTAACAAATCTTGATTTCCTGTCAATAATTTAACCAACTTTGGTCCCTCTCTTT[C>CT]TTTTTTATTTGTTTTTGCTCTGAATTTTTCTTCTGCTGCTTTTCTGGACTCTGCCAGTGT-3'